The following is an entry in ClinVar:

ClinVar aggregate classification (germline): Uncertain significance. Review status: criteria provided, multiple submitters, no conflicts (2 of 4 stars). 3 submissions from 3 submitters: Uncertain significance (3). Last evaluated 2023-12-17.

Conditions:
Inborn genetic diseases. Identifiers: MedGen C0950123, MeSH D030342.
Neutral lipid storage myopathy (NLSDM). Also called: NEUTRAL LIPID STORAGE DISEASE WITHOUT ICHTHYOSIS. Identifiers: Orphanet 98908, MedGen C1853136, MONDO:0012545, OMIM 610717.

Allele frequency attached by ClinVar (database versions not stated): gnomAD 0.00007 and 0.00009; gnomAD exomes 0.00007 and 0.00015; TOPMed 0.00009; ExAC 0.00010; ESP Exome Variant Server 0.00015.
gnomAD v4.1: 223 of 1,606,868 alleles (0.014%); highest among the groups gnomAD compares: Non-Finnish European, 0.018%; 1 homozygote.

Submissions (3):

Ambry Genetics
Classification: Uncertain significance for Inborn genetic diseases. Last evaluated: 2023-12-17. Review status: criteria provided, single submitter. Criteria: Ambry Variant Classification Scheme 2023. Collection method: clinical testing. Allele origin: germline.

Labcorp Genetics (formerly Invitae), Labcorp
Classification: Uncertain significance for Neutral lipid storage myopathy. Last evaluated: 2022-06-20. Review status: criteria provided, single submitter. Criteria: Invitae Variant Classification Sherloc (09022015). Collection method: clinical testing. Allele origin: germline.
Comment: This sequence change replaces alanine, which is neutral and non-polar, with threonine, which is neutral and polar, at codon 282 of the PNPLA2 protein (p.Ala282Thr). The frequency data for this variant in the population databases is considered unreliable, as metrics indicate poor data quality at this position in the gnomAD database. This variant has not been reported in the literature in individuals affected with PNPLA2-related conditions. ClinVar contains an entry for this variant (Variation ID: 566589). Algorithms developed to predict the effect of missense changes on protein structure and function output the following: SIFT: "Tolerated"; PolyPhen-2: "Benign"; Align-GVGD: "Class C0". The threonine amino acid residue is found in multiple mammalian species, which suggests that this missense change does not adversely affect protein function. In summary, the available evidence is currently insufficient to determine the role of this variant in disease. Therefore, it has been classified as a Variant of Uncertain Significance.

Revvity Omics, Revvity
Classification: Uncertain significance for Neutral lipid storage myopathy. Last evaluated: 2020-05-04. Review status: criteria provided, single submitter. Criteria: ACMG Guidelines, 2015. Collection method: clinical testing. Allele origin: germline.

NM_020376.4(PNPLA2):c.844G>A (p.Ala282Thr)

Gene: PNPLA2 (patatin like domain 2, triacylglycerol lipase; plus strand). Cytogenetic location: 11p15.5.
Variant type: single nucleotide variant.
Coding change: c.844G>A on transcript NM_020376.4 (MANE Select); coding-DNA position 844, G replaced by A.
Protein change: p.Ala282Thr; replaces alanine 282 with threonine.
Molecular consequence: missense variant.
Genome position (GRCh38, 1-based): chr11:823,780, G>A. VCF-style: chr11-823780-G-A. GRCh37 (hg19) VCF-style: chr11-823780-G-A.
Other names: short protein forms A282T.
Identifiers: ClinVar variation 566589 (VCV000566589.8), dbSNP rs146739862, ClinGen allele CA5791199.
Genomic context (GRCh38, chr11:823,780, plus strand): 5'-CTGGCGTTGCCCCCCGCCCGCCCCCACGGCCCAGAGGACAAGGACCAGGCAGTGGAGAGC[G>A]CCCAAGCGGAGGATTACTCGCAGCTGCCCGGAGAAGATCACATCCTGGAGCACCTGCCCG-3'
Protein context (NP_065109.1, residues 272-292): PEDKDQAVES[Ala282Thr]QAEDYSQLPG